The following is an entry in ClinVar:

NM_001961.4(EEF2):c.2379C>T (p.Ser793=)

Gene: EEF2 (eukaryotic translation elongation factor 2; minus strand). Cytogenetic location: 19p13.3.
Variant type: single nucleotide variant.
Coding change: c.2379C>T on transcript NM_001961.4 (MANE Select); coding-DNA position 2379, C replaced by T.
Protein change: p.Ser793=; no amino-acid change (serine 793 retained).
Molecular consequence: synonymous variant.
Genome position (GRCh38, 1-based): chr19:3,977,219, G>A on the plus strand (C>T on the coding strand, the complement: EEF2 is on the minus strand). VCF-style: chr19-3977219-G-A. GRCh37 (hg19) VCF-style: chr19-3977217-G-A.
Identifiers: ClinVar variation 773077 (VCV000773077.12), dbSNP rs151205847, ClinGen allele CA9088565.
Genomic context (GRCh38, chr19:3,977,219, plus strand): 5'-TCTGTCCCCCAAACCAGCCTGCCAGGCTCTGCAGGCCACACCGGGCAGGCACTCACCAAA[G>A]GACTCGTTGACGGGCAGATAGGCCTTGACCACAAACATGGGGGTGCCGGCCACCTGGGAC-3'
Protein context (NP_001952.1, residues 783-803): VVKAYLPVNE[Ser793=]FGFTADLRSN

ClinVar aggregate classification (germline): Benign. Review status: criteria provided, multiple submitters, no conflicts (2 of 4 stars). 3 submissions from 3 submitters: Benign (3). Last evaluated 2025-10-22.

Allele frequency attached by ClinVar (database versions not stated): gnomAD exomes 0.00030 and 0.00078; ExAC 0.00102; 1000 Genomes Project 0.00260; 1000 Genomes Project 30x 0.00265; gnomAD 0.00287 and 0.00307; TOPMed 0.00335; ESP Exome Variant Server 0.00408.
gnomAD v4.1: 894 of 1,613,460 alleles (0.055%); highest among the groups gnomAD compares: African/African-American, 1.1%; 4 homozygotes.

Submissions (3):

Labcorp Genetics (formerly Invitae), Labcorp
Classification: Benign. Last evaluated: 2025-10-22. Review status: criteria provided, single submitter. Criteria: Invitae Variant Classification Sherloc (09022015). Collection method: clinical testing. Allele origin: germline.

Athena Diagnostics
Classification: Benign. Last evaluated: 2024-12-20. Review status: criteria provided, single submitter. Criteria: Athena Diagnostics Criteria. Collection method: clinical testing. Allele origin: unknown.
Comment: The frequency of this variant in the general population is higher than would generally be expected for pathogenic variants in this gene. Computational tools yielded predictions that this variant is unlikely to have an effect on normal RNA splicing. This nucleotide position exhibits low evolutionary conservation.

Breakthrough Genomics
Classification: Benign. Review status: criteria provided, single submitter. Criteria: ACMG Guidelines, 2015. Collection method: not provided. Allele origin: germline. Inheritance: Autosomal dominant inheritance. Affected: yes.